The following is an entry in ClinVar:

NM_003978.5(PSTPIP1):c.470C>A (p.Ala157Asp)

Gene: PSTPIP1 (proline-serine-threonine phosphatase interacting protein 1; plus strand). Cytogenetic location: 15q24.3.
Variant type: single nucleotide variant.
Coding change: c.470C>A on transcript NM_003978.5 (MANE Select); coding-DNA position 470, C replaced by A.
Protein change: p.Ala157Asp; replaces alanine 157 with aspartic acid.
Molecular consequence: missense variant. On other transcripts: non-coding transcript variant (1).
Genome position (GRCh38, 1-based): chr15:77,028,606, C>A. VCF-style: chr15-77028606-C-A. GRCh37 (hg19) VCF-style: chr15-77320947-C-A.
Other names: c.470C>A, p.Ala157Asp (NM_001321135.2); c.443C>A, p.Ala148Asp (NM_001321136.2); c.665C>A, p.Ala222Asp (NM_001321137.1); short protein forms A148D, A157D, A222D.
Identifiers: ClinVar variation 1018966 (VCV001018966.8), dbSNP rs2076342762, ClinGen allele CA393519850.

ClinVar aggregate classification (germline): Uncertain significance (1 of 4 stars; one submission).

Conditions:
Pyogenic arthritis-pyoderma gangrenosum-acne syndrome (PAPA). Also called: FAMILIAL RECURRENT ARTHRITIS; PAPA SYNDROME. Identifiers: Orphanet 69126, MedGen C1858361, MONDO:0011462, OMIM 604416.

Allele frequency attached by ClinVar (database versions not stated): gnomAD exomes below 0.00001.
gnomAD v4.1: 1 of 1,599,082 alleles (0.000063%); highest among the groups gnomAD compares: Non-Finnish European, 0.000085%; no homozygotes.

Submission:

Labcorp Genetics (formerly Invitae), Labcorp
Classification: Uncertain significance for Pyogenic arthritis-pyoderma gangrenosum-acne syndrome. Last evaluated: 2020-09-24. Review status: criteria provided, single submitter. Criteria: Invitae Variant Classification Sherloc (09022015). Collection method: clinical testing. Allele origin: germline.
Comment: This sequence change replaces alanine with aspartic acid at codon 157 of the PSTPIP1 protein (p.Ala157Asp). The alanine residue is weakly conserved and there is a moderate physicochemical difference between alanine and aspartic acid. In summary, the available evidence is currently insufficient to determine the role of this variant in disease. Therefore, it has been classified as a Variant of Uncertain Significance. Algorithms developed to predict the effect of missense changes on protein structure and function (SIFT, PolyPhen-2, Align-GVGD) all suggest that this variant is likely to be tolerated, but these predictions have not been confirmed by published functional studies and their clinical significance is uncertain. This variant has not been reported in the literature in individuals with PSTPIP1-related conditions. This variant is not present in population databases (ExAC no frequency).